The following is an entry in ClinVar:

ClinVar aggregate classification (germline): Uncertain significance (1 of 4 stars; one submission).

Conditions:
Severe combined immunodeficiency due to LCK deficiency. Also called: Immunodeficiency 22. Identifiers: Orphanet 280142, MedGen C4014233, MONDO:0014334, OMIM 615758.

Submission:

Labcorp Genetics (formerly Invitae), Labcorp
Classification: Uncertain significance for Severe combined immunodeficiency due to LCK deficiency. Last evaluated: 2020-01-08. Review status: criteria provided, single submitter. Criteria: Invitae Variant Classification Sherloc (09022015). Collection method: clinical testing. Allele origin: germline.
Comment: This sequence change replaces threonine with alanine at codon 407 of the LCK protein (p.Thr407Ala). The threonine residue is highly conserved and there is a small physicochemical difference between threonine and alanine. This variant is not present in population databases (ExAC no frequency). Algorithms developed to predict the effect of missense changes on protein structure and function (SIFT, PolyPhen-2, Align-GVGD) all suggest that this variant is likely to be disruptive, but these predictions have not been confirmed by published functional studies and their clinical significance is uncertain. In summary, the available evidence is currently insufficient to determine the role of this variant in disease. Therefore, it has been classified as a Variant of Uncertain Significance. This variant has not been reported in the literature in individuals with LCK-related conditions.

NM_005356.5(LCK):c.1219A>G (p.Thr407Ala)

Gene: LCK (LCK proto-oncogene, Src family tyrosine kinase; plus strand). Cytogenetic location: 1p35.2.
Variant type: single nucleotide variant.
Coding change: c.1219A>G on transcript NM_005356.5 (MANE Select); coding-DNA position 1219, A replaced by G.
Protein change: p.Thr407Ala; replaces threonine 407 with alanine.
Molecular consequence: missense variant.
Genome position (GRCh38, 1-based): chr1:32,280,102, A>G. VCF-style: chr1-32280102-A-G. GRCh37 (hg19) VCF-style: chr1-32745703-A-G.
Other names: c.1219A>G, p.Thr407Ala (NM_001042771.3); c.1066A>G, p.Thr356Ala (NM_001330468.2); short protein forms T356A, T407A.
Identifiers: ClinVar variation 1054739 (VCV001054739.9), dbSNP rs2124369330, ClinGen allele CA339642827.